The following is an entry in ClinVar:

NM_001903.5(CTNNA1):c.2357A>T (p.Tyr786Phe)

Gene: CTNNA1 (catenin alpha 1; plus strand). Cytogenetic location: 5q31.2.
Variant type: single nucleotide variant.
Coding change: c.2357A>T on transcript NM_001903.5 (MANE Select); coding-DNA position 2357, A replaced by T.
Protein change: p.Tyr786Phe; replaces tyrosine 786 with phenylalanine.
Molecular consequence: missense variant. On other transcripts: intron variant (1).
Genome position (GRCh38, 1-based): chr5:138,932,636, A>T. VCF-style: chr5-138932636-A-T. GRCh37 (hg19) VCF-style: chr5-138268325-A-T.
Other names: c.2357A>T, p.Tyr786Phe (NM_001290307.3, NM_001323982.2, NM_001323983.1 and 2 more transcripts); c.2048A>T, p.Tyr683Phe (NM_001290309.3); c.1988A>T, p.Tyr663Phe (NM_001290310.3); c.1247A>T, p.Tyr416Phe (NM_001290312.1, NM_001323987.1, NM_001323988.1 and 16 more transcripts); c.2264A>T, p.Tyr755Phe (NM_001323986.2); c.908A>T, p.Tyr303Phe (NM_001324006.1, NM_001324007.1, NM_001324008.1 and 2 more transcripts); c.1154A>T, p.Tyr385Phe (NM_001324011.1); c.1004A>T, p.Tyr335Phe (NM_001324012.1, NM_001324013.1); and 1 more; short protein forms Y786F, Y335F, Y385F, Y663F, Y683F, Y303F, Y416F, Y755F.
Identifiers: ClinVar variation 933568 (VCV000933568.1), dbSNP rs1765620317, ClinGen allele CA361134398.

ClinVar aggregate classification (germline): Uncertain significance (1 of 4 stars; one submission).

Submission:

Labcorp Genetics (formerly Invitae), Labcorp
Classification: Uncertain significance. Last evaluated: 2019-09-22. Review status: criteria provided, single submitter. Criteria: Invitae Variant Classification Sherloc (09022015). Collection method: clinical testing. Allele origin: germline.
Comment: This sequence change replaces tyrosine with phenylalanine at codon 786 of the CTNNA1 protein (p.Tyr786Phe). The tyrosine residue is highly conserved and there is a small physicochemical difference between tyrosine and phenylalanine. This variant is not present in population databases (ExAC no frequency). This variant has not been reported in the literature in individuals with CTNNA1-related conditions. Algorithms developed to predict the effect of missense changes on protein structure and function are either unavailable or do not agree on the potential impact of this missense change (SIFT: "Deleterious"; PolyPhen-2: "Benign"; Align-GVGD: "Class C0"). In summary, the available evidence is currently insufficient to determine the role of this variant in disease. Therefore, it has been classified as a Variant of Uncertain Significance.